The following is an entry in ClinVar:

NM_001267550.2(TTN):c.185G>A (p.Arg62His)

Gene: TTN (titin; minus strand). Cytogenetic location: 2q31.2.
Variant type: single nucleotide variant.
Coding change: c.185G>A on transcript NM_001267550.2 (MANE Select); coding-DNA position 185, G replaced by A.
Protein change: p.Arg62His; replaces arginine 62 with histidine.
Molecular consequence: missense variant.
Genome position (GRCh38, 1-based): chr2:178,802,248, C>T on the plus strand (G>A on the coding strand, the complement: TTN is on the minus strand). VCF-style: chr2-178802248-C-T. GRCh37 (hg19) VCF-style: chr2-179666975-C-T.
Other names: c.185G>A, p.Arg62His (NM_001256850.1, NM_003319.4, NM_133379.5 and 3 more transcripts); short protein forms R62H.
Identifiers: ClinVar variation 413134 (VCV000413134.24), dbSNP rs758169489, ClinGen allele CA2006397.
Genomic context (GRCh38, chr2:178,802,248, plus strand): 5'-GCTTTCAGGGAATATCGTCCACTGTTGGCTTTAGTCACGGCGGGGATCGTCAGTTTAGCG[C>T]GGCCATCGCTAAAGGAGATCTGCACGCCGGGCAGAGTGGAAGTGGAAATCACCTGGCCAT-3'
Protein context (NP_001254479.2, residues 52-72): PGVQISFSDG[Arg62His]AKLTIPAVTK

ClinVar aggregate classification (germline): Conflicting classifications of pathogenicity. Review status: criteria provided, conflicting classifications (1 of 4 stars). 9 submissions from 5 submitters: Uncertain significance (5); Benign (2); Likely benign (2). Last evaluated 2026-04-14.

Conditions:
TTN-related disorder. Also called: TTN-related disorders; TTN-related condition; TTN-related disease.
Autosomal recessive limb-girdle muscular dystrophy type 2J (LGMDR10). Also called: MUSCULAR DYSTROPHY, LIMB-GIRDLE, AUTOSOMAL RECESSIVE 10; Limb-girdle muscular dystrophy, type 2J. Identifiers: Orphanet 140922, MedGen C1837342, MONDO:0012127, OMIM 608807.
Dilated cardiomyopathy 1G (CMD1G). Identifiers: Orphanet 154, MedGen C1858763, MONDO:0011400, OMIM 604145.
Myopathy, myofibrillar, 9, with early respiratory failure (MFM9). Also called: MYOPATHY, PROXIMAL, WITH EARLY RESPIRATORY MUSCLE INVOLVEMENT; Myopathy, distal, with early respiratory failure, autosomal dominant; EDSTROM MYOPATHY; Hereditary myopathy with early respiratory failure. Identifiers: Orphanet 178464, Orphanet 34521, MedGen C1863599, MONDO:0011362, OMIM 603689.
Tibial muscular dystrophy (TMD). Also called: UDD MYOPATHY; Udd Distal Myopathy – Tibial Muscular Dystrophy; Tibial muscular dystrophy, tardive. Identifiers: Orphanet 609, MedGen C1838244, MONDO:0010870, OMIM 600334.
Early-onset myopathy with fatal cardiomyopathy (CMYO5). Also called: CONGENITAL MYOPATHY 5 WITH CARDIOMYOPATHY; Salih Myopathy. Identifiers: Orphanet 289377, MedGen C2673677, MONDO:0012714, OMIM 611705. Disease mechanism: loss of function.

Allele frequency attached by ClinVar (database versions not stated): gnomAD exomes 0.00002 and 0.00008; TOPMed 0.00003; gnomAD 0.00004; ExAC 0.00012.

Submissions (9):

PreventionGenetics, part of Exact Sciences
Classification: Uncertain significance for TTN-related condition. Last evaluated: 2026-04-14. Review status: criteria provided, single submitter. Criteria: ACMG Guidelines, 2015. Collection method: clinical testing. Allele origin: germline.
Comment: The TTN c.185G>A variant is predicted to result in the amino acid substitution p.Arg62His. This variant has been reported in a study evaluating TTN variants and their association with QT interval in the general population (Kapoor et al. 2016. PubMed ID: 27321809). This variant is reported in 0.085% of alleles in individuals of East Asian descent in gnomAD. Although we suspect that this variant may be benign, at this time, the clinical significance of this variant is uncertain due to the absence of conclusive functional and genetic evidence.

Labcorp Genetics (formerly Invitae), Labcorp
Classification: Likely benign for Dilated cardiomyopathy 1G; Autosomal recessive limb-girdle muscular dystrophy type 2J. Last evaluated: 2026-01-02. Review status: criteria provided, single submitter. Criteria: Invitae Variant Classification Sherloc (09022015). Collection method: clinical testing. Allele origin: germline.

CeGaT Center for Human Genetics Tuebingen
Classification: Uncertain significance. Last evaluated: 2025-08-01. Review status: criteria provided, single submitter. Criteria: CeGaT Center For Human Genetics Tuebingen Variant Classification Criteria Version 2. Collection method: clinical testing. Allele origin: germline. Affected: yes. Observed: 1 variant allele.

Blueprint Genetics
Classification: Likely benign. Last evaluated: 2023-12-05. Review status: criteria provided, single submitter. Criteria: ACMG Guidelines, 2015. Collection method: clinical testing. Allele origin: germline.

Illumina Laboratory Services, Illumina
Classification: Benign for Myopathy, myofibrillar, 9, with early respiratory failure. Last evaluated: 2017-08-16. Review status: criteria provided, single submitter. Criteria: ICSL Variant Classification Criteria 13 December 2019. Collection method: clinical testing. Allele origin: germline.
Comment: This variant was observed as part of a predisposition screen in an ostensibly healthy population. A literature search was performed for the gene, cDNA change, and amino acid change (where applicable). No publications were found based on this search. Allele frequency data from public databases was too high to be consistent with this variant causing disease. Therefore, this variant is classified as benign.

Illumina Laboratory Services, Illumina
Classification: Uncertain significance for Dilated cardiomyopathy 1G. Last evaluated: 2017-08-16. Review status: criteria provided, single submitter. Criteria: ICSL Variant Classification Criteria 13 December 2019. Collection method: clinical testing. Allele origin: germline.

Illumina Laboratory Services, Illumina
Classification: Benign for Tibial muscular dystrophy. Last evaluated: 2017-08-16. Review status: criteria provided, single submitter. Criteria: ICSL Variant Classification Criteria 13 December 2019. Collection method: clinical testing. Allele origin: germline.
Comment: the same text as in the submission from Illumina Laboratory Services, Illumina above.

Illumina Laboratory Services, Illumina
Classification: Uncertain significance for Autosomal recessive limb-girdle muscular dystrophy type 2J. Last evaluated: 2017-04-27. Review status: criteria provided, single submitter. Criteria: ICSL Variant Classification Criteria 13 December 2019. Collection method: clinical testing. Allele origin: germline.

Illumina Laboratory Services, Illumina
Classification: Uncertain significance for Early-onset myopathy with fatal cardiomyopathy. Last evaluated: 2017-04-27. Review status: criteria provided, single submitter. Criteria: ICSL Variant Classification Criteria 13 December 2019. Collection method: clinical testing. Allele origin: germline.